The following is an entry in ClinVar:

NM_000202.8(IDS):c.418+2T>C

Gene: IDS (iduronate 2-sulfatase; minus strand). Cytogenetic location: Xq28.
Variant type: single nucleotide variant.
Coding change: c.418+2T>C on transcript NM_000202.8 (MANE Select); the canonical splice donor site of the intron after coding-DNA position 418, T replaced by C.
Molecular consequence: splice donor variant.
Genome position (GRCh38, 1-based): chrX:149,503,310, A>G on the plus strand (T>C on the coding strand, the complement: IDS is on the minus strand). VCF-style: chrX-149503310-A-G. GRCh37 (hg19) VCF-style: chrX-148584840-A-G.
Other names: c.418+2T>C (NM_006123.5); c.148+2T>C (NM_001166550.4).
Identifiers: ClinVar variation 997091 (VCV000997091.5), dbSNP rs2124062810, ClinGen allele CA414525442.

ClinVar aggregate classification (germline): Pathogenic. Review status: criteria provided, multiple submitters, no conflicts (2 of 4 stars). 3 submissions from 3 submitters: Pathogenic (3). Last evaluated 2024-06-07.

Conditions:
Mucopolysaccharidosis, MPS-II (MPS2). Also called: Mucopolysaccharidosis type 2; Hunter Syndrome; IDURONATE 2-SULFATASE DEFICIENCY; Mucopolysaccharidosis Type II; IDS deficiency; Sulfoiduronate sulfatase deficiency. Identifiers: Orphanet 580, Orphanet 79388, MedGen C0026705, MONDO:0010674, OMIM 309900.

Submissions (3):

Laboratory of Diagnosis and Therapy of Lysosomal Disorders, University of Padova
Classification: Pathogenic for Mucopolysaccharidosis, MPS-II. Last evaluated: 2024-06-07. Review status: criteria provided, single submitter. Criteria: ACMG Guidelines, 2015. Collection method: literature only. Allele origin: germline. Affected: yes. Observed: 2 variant alleles.
Comment: Null variant (PVS1_VeryStrong), Absent from controls (or at low frequency) in gnomAD database (PM2_Moderate), Patient’s phenotype or family history highly specific for the disease (PP4_Moderate)

Classification method: ACMG Guidelines [PMID:25741868] with modifications

Department of Medical Genetics, Sanjay Gandhi Post Graduate Institute of Medical Sciences
Classification: Pathogenic for Mucopolysaccharidosis, MPS-II. Review status: criteria provided, single submitter. Criteria: ACMG Guidelines, 2015. Collection method: clinical testing. Allele origin: germline. Inheritance: X-linked recessive inheritance. Affected: yes. Observed: 1 variant allele, 1 hemizygote.

Kasturba Medical College, Manipal, Kasturba Medical College, Manipal, Manipal Academy of Higher Education, Manipal, India
Classification: Pathogenic for Mucopolysaccharidosis, MPS-II. Review status: criteria provided, single submitter. Criteria: ACMG Guidelines, 2015. Collection method: clinical testing. Allele origin: inherited. Affected: yes.

Literature cited by the submitters: PubMed 35144014 (cited by Laboratory of Diagnosis and Therapy of Lysosomal Disorders, University of Padova); PubMed 36945845 (cited by Laboratory of Diagnosis and Therapy of Lysosomal Disorders, University of Padova).